The following is an entry in ClinVar:

ClinVar aggregate classification (germline): Uncertain significance (1 of 4 stars; one submission).

Submission:

Labcorp Genetics (formerly Invitae), Labcorp
Classification: Uncertain significance. Last evaluated: 2025-09-18. Review status: criteria provided, single submitter. Criteria: Invitae Variant Classification Sherloc (09022015). Collection method: clinical testing. Allele origin: germline.
Comment: This sequence change replaces phenylalanine, which is neutral and non-polar, with leucine, which is neutral and non-polar, at codon 346 of the ERG protein (p.Phe346Leu). This variant is not present in population databases (gnomAD no frequency). This variant has not been reported in the literature in individuals affected with ERG-related conditions. Invitae Evidence Modeling of protein sequence and biophysical properties (such as structural, functional, and spatial information, amino acid conservation, physicochemical variation, residue mobility, and thermodynamic stability) indicates that this missense variant is expected to disrupt ERG protein function with a positive predictive value of 80%. In summary, the available evidence is currently insufficient to determine the role of this variant in disease. Therefore, it has been classified as a Variant of Uncertain Significance.

NM_182918.4(ERG):c.1017C>G (p.Phe339Leu)

Gene: ERG (ETS transcription factor ERG; minus strand). Cytogenetic location: 21q22.2.
Variant type: single nucleotide variant.
Coding change: c.1017C>G on transcript NM_182918.4 (MANE Select); coding-DNA position 1017, C replaced by G.
Protein change: p.Phe339Leu; replaces phenylalanine 339 with leucine.
Molecular consequence: missense variant. On other transcripts: intron variant (1).
Genome position (GRCh38, 1-based): chr21:38,383,826, G>C on the plus strand (C>G on the coding strand, the complement: ERG is on the minus strand). VCF-style: chr21-38383826-G-C. GRCh37 (hg19) VCF-style: chr21-39755748-G-C.
Other names: c.1038C>G, p.Phe346Leu (NM_001136154.1, NM_001243428.1); c.741C>G, p.Phe247Leu (NM_001136155.1); c.669C>G, p.Phe223Leu (NM_001243429.1); c.945C>G, p.Phe315Leu (NM_001331025.2); c.966C>G, p.Phe322Leu (NM_004449.4); c.940+7169C>G (NM_001243432.2); short protein forms F346L, F223L, F322L, F247L, F315L, F339L.
Identifiers: ClinVar variation 4746939 (VCV004746939.1).